The following is an entry in ClinVar:

NM_001378183.1(PIEZO2):c.7029G>A (p.Pro2343=)

Gene: PIEZO2 (piezo type mechanosensitive ion channel component 2; minus strand). Cytogenetic location: 18p11.22.
Variant type: single nucleotide variant.
Coding change: c.7029G>A on transcript NM_001378183.1 (MANE Select); coding-DNA position 7029, G replaced by A.
Protein change: p.Pro2343=; no amino-acid change (proline 2343 retained).
Molecular consequence: synonymous variant.
Genome position (GRCh38, 1-based): chr18:10,696,235, C>T on the plus strand (G>A on the coding strand, the complement: PIEZO2 is on the minus strand). VCF-style: chr18-10696235-C-T. GRCh37 (hg19) VCF-style: chr18-10696233-C-T.
Other names: c.6690G>A, p.Pro2230= (NM_022068.4).
Identifiers: ClinVar variation 740827 (VCV000740827.5), dbSNP rs140656342, ClinGen allele CA8892093.

ClinVar aggregate classification (germline): Likely benign. Review status: criteria provided, multiple submitters, no conflicts (2 of 4 stars). 2 submissions from 2 submitters: Likely benign (2). Last evaluated 2025-09-11.

Conditions:
PIEZO2-related disorder. Also called: PIEZO2-related disorders; PIEZO2-related condition.

Allele frequency attached by ClinVar (database versions not stated): ExAC 0.00007; ESP Exome Variant Server 0.00008; gnomAD 0.00013 and 0.00015; gnomAD exomes 0.00013 and 0.00025; TOPMed 0.00014.
gnomAD v4.1: 385 of 1,614,054 alleles (0.024%); highest among the groups gnomAD compares: Non-Finnish European, 0.031%; no homozygotes.

Submissions (2):

PreventionGenetics, part of Exact Sciences
Classification: Likely benign for PIEZO2-related condition. Last evaluated: 2025-09-11. Review status: criteria provided, single submitter. Criteria: ACMG Guidelines, 2015. Collection method: clinical testing. Allele origin: germline.
Comment: This variant is classified as likely benign based on ACMG/AMP sequence variant interpretation guidelines (Richards et al. 2015 PMID: 25741868, with internal and published modifications).

Labcorp Genetics (formerly Invitae), Labcorp
Classification: Likely benign. Last evaluated: 2019-12-31. Review status: criteria provided, single submitter. Criteria: Invitae Variant Classification Sherloc (09022015). Collection method: clinical testing. Allele origin: germline.